The following is an entry in ClinVar:

ClinVar aggregate classification (germline): Conflicting classifications of pathogenicity. Review status: criteria provided, conflicting classifications (1 of 4 stars). 2 submissions from 2 submitters: Uncertain significance (1); Likely benign (1). Last evaluated 2025-04-02.

Conditions:
Hereditary cancer-predisposing syndrome. Also called: Hereditary neoplastic syndrome; Tumor predisposition; Neoplastic Syndromes, Hereditary; Hereditary Cancer Syndrome. Identifiers: Orphanet 140162, MedGen C0027672, MeSH D009386, MONDO:0015356.
Multiple endocrine neoplasia type 4. Also called: MULTIPLE ENDOCRINE NEOPLASIA, TYPE IV. Identifiers: Orphanet 276152, MedGen C1970712, MONDO:0012552, OMIM 610755.

Allele frequency attached by ClinVar (database versions not stated): ExAC 0.00003; gnomAD exomes below 0.00001 and 0.00001; TOPMed 0.00001.

Submissions (2):

Labcorp Genetics (formerly Invitae), Labcorp
Classification: Uncertain significance for Multiple endocrine neoplasia type 4. Last evaluated: 2025-04-02. Review status: criteria provided, single submitter. Criteria: Invitae Variant Classification Sherloc (09022015). Collection method: clinical testing. Allele origin: germline.
Comment: This sequence change affects the initiator methionine of the CDKN1B mRNA. The next in-frame methionine is located at codon 16. This variant is present in population databases (rs758613901, gnomAD 0.009%). This variant has not been reported in the literature in individuals affected with CDKN1B-related conditions. ClinVar contains an entry for this variant (Variation ID: 960097). In summary, the available evidence is currently insufficient to determine the role of this variant in disease. Therefore, it has been classified as a Variant of Uncertain Significance.

Ambry Genetics
Classification: Likely benign for Hereditary cancer-predisposing syndrome. Last evaluated: 2024-02-12. Review status: criteria provided, single submitter. Criteria: Ambry Variant Classification Scheme 2023. Collection method: clinical testing. Allele origin: germline.

NM_004064.5(CDKN1B):c.1_15del (p.Met1_Arg5del)

Gene: CDKN1B (cyclin dependent kinase inhibitor 1B; plus strand). Cytogenetic location: 12p13.1.
Variant type: Deletion.
Coding change: c.1_15del on transcript NM_004064.5 (MANE Select); coding-DNA positions 1 to 15, 15 bases deleted (ATGTCAAACGTGCGA).
Protein change: p.Met1_Arg5del.
Molecular consequence: inframe deletion, initiator codon variant.
Genome position (GRCh38, 1-based): chr12:12,717,840-12,717,854, ATGTCAAACGTGCGA deleted. VCF-style (leftmost placement, unchanged base first): chr12-12717839-GATGTCAAACGTGCGA-G. GRCh37 (hg19) VCF-style: chr12-12870773-GATGTCAAACGTGCGA-G.
Identifiers: ClinVar variation 960097 (VCV000960097.10), dbSNP rs758613901, ClinGen allele CA6457358.